The following is an entry in ClinVar:

NM_001458.5(FLNC):c.1047+1G>T

Gene: FLNC (filamin C; plus strand). Cytogenetic location: 7q32.1.
Variant type: single nucleotide variant.
Coding change: c.1047+1G>T on transcript NM_001458.5 (MANE Select); the canonical splice donor site of the intron after coding-DNA position 1047, G replaced by T.
Molecular consequence: splice donor variant.
Genome position (GRCh38, 1-based): chr7:128,838,065, G>T. VCF-style: chr7-128838065-G-T. GRCh37 (hg19) VCF-style: chr7-128478119-G-T.
Other names: c.1047+1G>T (NM_001127487.2).
Identifiers: ClinVar variation 958090 (VCV000958090.2), dbSNP rs762493013, ClinGen allele CA4474200.

ClinVar aggregate classification (germline): Likely pathogenic. Review status: criteria provided, multiple submitters, no conflicts (2 of 4 stars). 2 submissions from 2 submitters: Likely pathogenic (2). Last evaluated 2021-09-02.

Conditions:
Myofibrillar myopathy 5. Also called: Filaminopathy (type); FILAMINOPATHY, AUTOSOMAL DOMINANT. Identifiers: Orphanet 171445, MedGen C1836050, MONDO:0012289, OMIM 609524.
Distal myopathy with posterior leg and anterior hand involvement. Also called: WILLIAMS DISTAL MYOPATHY. Identifiers: Orphanet 63273, MedGen C3279722, MONDO:0013550, OMIM 614065.
Hypertrophic cardiomyopathy 26. Also called: Cardiomyopathy, familial hypertrophic, 26. Identifiers: Orphanet 75249, MedGen C4310749, MONDO:0014883, OMIM 617047.
Dilated Cardiomyopathy, Dominant.
FLNC-related disorder. Also called: FLNC-related disorders; FLNC-related condition.

Allele frequency attached by ClinVar (database versions not stated): gnomAD exomes below 0.00001; ExAC 0.00001.

Submissions (2):

Blueprint Genetics
Classification: Likely pathogenic for FLNC-related disorders. Last evaluated: 2021-09-02. Review status: criteria provided, single submitter. Criteria: ACMG Guidelines, 2015. Collection method: clinical testing. Allele origin: germline. Affected: yes. Observed: 2 variant alleles.

Labcorp Genetics (formerly Invitae), Labcorp
Classification: Likely pathogenic for Myopathy, distal, 4; Dilated Cardiomyopathy, Dominant; Myofibrillar myopathy, filamin C-related; Cardiomyopathy, familial hypertrophic, 26. Last evaluated: 2019-10-17. Review status: criteria provided, single submitter. Criteria: Invitae Variant Classification Sherloc (09022015). Collection method: clinical testing. Allele origin: germline.
Comment: This sequence change affects a donor splice site in intron 6 of the FLNC gene. It is expected to disrupt RNA splicing and likely results in an absent or disrupted protein product. This variant is present in population databases (rs762493013, ExAC 0.002%). This variant has not been reported in the literature in individuals with FLNC-related disease. Algorithms developed to predict the effect of sequence changes on RNA splicing suggest that this variant may disrupt the consensus splice site, but this prediction has not been confirmed by published transcriptional studies. Donor and acceptor splice site variants typically lead to a loss of protein function (PMID: 16199547), and loss-of-function variants in FLNC are known to be pathogenic (PMID: 27908349). In summary, the currently available evidence indicates that the variant is pathogenic, but additional data are needed to prove that conclusively. Therefore, this variant has been classified as Likely Pathogenic.

Literature cited by the submitters: PubMed 27908349 (cited by Labcorp Genetics (formerly Invitae), Labcorp).